The following is an entry in ClinVar:

NM_001379200.1(TBX1):c.119C>T (p.Ala40Val)

Gene: TBX1 (T-box transcription factor 1; plus strand). Cytogenetic location: 22q11.21.
Variant type: single nucleotide variant.
Coding change: c.119C>T on transcript NM_001379200.1 (MANE Select); coding-DNA position 119, C replaced by T.
Protein change: p.Ala40Val; replaces alanine 40 with valine.
Molecular consequence: missense variant.
Genome position (GRCh38, 1-based): chr22:19,760,962, C>T. VCF-style: chr22-19760962-C-T. GRCh37 (hg19) VCF-style: chr22-19748485-C-T.
Other names: c.92C>T, p.Ala31Val (NM_005992.1, NM_080646.2, NM_080647.1); short protein forms A31V, A40V.
Identifiers: ClinVar variation 1429095 (VCV001429095.9), dbSNP rs745369694, ClinGen allele CA10102385.
Genomic context (GRCh38, chr22:19,760,962, plus strand): 5'-CAGCCTTCACGGCCAGCAGCCTGAGCAGCCTGGGGGCCGCGGGGGGCTTCCCGGGCGCCG[C>T]GTCGCCCGGCGCCGACCCGTACGGCCCGCGCGAGCCCCCGCCGCCGCCGCCGCGCTACGA-3'
Protein context (NP_001366129.1, residues 30-50): LGAAGGFPGA[Ala40Val]SPGADPYGPR

ClinVar aggregate classification (germline): Uncertain significance. Review status: criteria provided, multiple submitters, no conflicts (2 of 4 stars). 2 submissions from 2 submitters: Uncertain significance (2). Last evaluated 2025-07-10.

Conditions:
Cardiovascular phenotype. Identifiers: MedGen CN230736.
DiGeorge syndrome. Also called: THIRD AND FOURTH PHARYNGEAL POUCH SYNDROME; Catch22. Identifiers: Orphanet 567, MedGen C0012236, MONDO:0008564, OMIM 188400.

Allele frequency attached by ClinVar (database versions not stated): gnomAD 0.00001; gnomAD exomes 0.00001 and 0.00031; TOPMed 0.00002.
gnomAD v4.1: 9 of 990,880 alleles (0.00091%); highest among the groups gnomAD compares: Non-Finnish European, 0.00012%; no homozygotes.

Submissions (2):

Labcorp Genetics (formerly Invitae), Labcorp
Classification: Uncertain significance for DiGeorge syndrome. Last evaluated: 2025-07-10. Review status: criteria provided, single submitter. Criteria: Invitae Variant Classification Sherloc (09022015). Collection method: clinical testing. Allele origin: germline.
Comment: This sequence change replaces alanine, which is neutral and non-polar, with valine, which is neutral and non-polar, at codon 31 of the TBX1 protein (p.Ala31Val). This variant is present in population databases (rs745369694, gnomAD 0.4%). This variant has not been reported in the literature in individuals affected with TBX1-related conditions. ClinVar contains an entry for this variant (Variation ID: 1429095). Experimental studies and prediction algorithms are not available or were not evaluated, and the functional significance of this variant is currently unknown. In summary, the available evidence is currently insufficient to determine the role of this variant in disease. Therefore, it has been classified as a Variant of Uncertain Significance.

Ambry Genetics
Classification: Uncertain significance for Cardiovascular phenotype. Last evaluated: 2021-05-16. Review status: criteria provided, single submitter. Criteria: Ambry Variant Classification Scheme 2023. Collection method: clinical testing. Allele origin: germline.